The following is an entry in ClinVar:

NM_001195263.2(PDZD7):c.993C>A (p.Cys331Ter)

Gene: PDZD7 (PDZ domain containing 7; minus strand). Cytogenetic location: 10q24.31.
Variant type: single nucleotide variant.
Coding change: c.993C>A on transcript NM_001195263.2 (MANE Select); coding-DNA position 993, C replaced by A.
Protein change: p.Cys331Ter; replaces cysteine 331 with a stop codon.
Molecular consequence: nonsense.
Genome position (GRCh38, 1-based): chr10:101,019,153, G>T on the plus strand (C>A on the coding strand, the complement: PDZD7 is on the minus strand). VCF-style: chr10-101019153-G-T. GRCh37 (hg19) VCF-style: chr10-102778910-G-T.
Other names: c.993C>A (NM_001195263.1); c.993C>A, p.Cys331Ter (NM_001351044.2, NM_024895.5); short protein forms C331*.
Identifiers: ClinVar variation 1072815 (VCV001072815.7), dbSNP rs1468599549, ClinGen allele CA378228963.

ClinVar aggregate classification (germline): Pathogenic/Likely pathogenic. Review status: criteria provided, multiple submitters, no conflicts (2 of 4 stars). 2 submissions from 2 submitters: Pathogenic (1); Likely pathogenic (1). Last evaluated 2023-07-11.

Allele frequency attached by ClinVar (database versions not stated): TOPMed below 0.00001.
gnomAD v4.1: 5 of 1,542,918 alleles (0.00032%); highest among the groups gnomAD compares: Admixed American, 0.0039%; no homozygotes.

Submissions (2):

GeneDx
Classification: Likely pathogenic. Last evaluated: 2023-07-11. Review status: criteria provided, single submitter. Criteria: GeneDx Variant Classification Process June 2021. Collection method: clinical testing. Allele origin: germline. Affected: yes.
Comment: Nonsense variant predicted to result in protein truncation or nonsense mediated decay in a gene for which loss of function is a known mechanism of disease; Has not been previously published as pathogenic or benign to our knowledge

Labcorp Genetics (formerly Invitae), Labcorp
Classification: Pathogenic. Last evaluated: 2020-10-21. Review status: criteria provided, single submitter. Criteria: Invitae Variant Classification Sherloc (09022015). Collection method: clinical testing. Allele origin: germline.
Comment: For these reasons, this variant has been classified as Pathogenic. This variant has not been reported in the literature in individuals with PDZD7-related conditions. The frequency data for this variant in the population databases is considered unreliable, as metrics indicate insufficient coverage at this position in the ExAC database. This sequence change creates a premature translational stop signal (p.Cys331*) in the PDZD7 gene. It is expected to result in an absent or disrupted protein product. Loss-of-function variants in PDZD7 are known to be pathogenic (PMID: 20440071).

Literature cited by the submitters: PubMed 20440071 (cited by Labcorp Genetics (formerly Invitae), Labcorp).